The following is an entry in ClinVar:

ClinVar aggregate classification (germline): Uncertain significance (1 of 4 stars; one submission).

Conditions:
Holoprosencephaly 11 (HPE11). Identifiers: Orphanet 2162, MedGen C3280215, MONDO:0013642, OMIM 614226.

gnomAD v4.1: 43 of 1,614,014 alleles (0.0027%); highest among the groups gnomAD compares: Non-Finnish European, 0.0034%; no homozygotes.

Submission:

Labcorp Genetics (formerly Invitae), Labcorp
Classification: Uncertain significance for Holoprosencephaly 11. Last evaluated: 2025-07-08. Review status: criteria provided, single submitter. Criteria: Invitae Variant Classification Sherloc (09022015). Collection method: clinical testing. Allele origin: germline.
Comment: This sequence change replaces proline, which is neutral and non-polar, with glutamine, which is neutral and polar, at codon 1172 of the CDON protein (p.Pro1172Gln). This variant is present in population databases (rs370469702, gnomAD 0.006%). This variant has not been reported in the literature in individuals affected with CDON-related conditions. ClinVar contains an entry for this variant (Variation ID: 1387911). Invitae Evidence Modeling of protein sequence and biophysical properties (such as structural, functional, and spatial information, amino acid conservation, physicochemical variation, residue mobility, and thermodynamic stability) indicates that this missense variant is not expected to disrupt CDON protein function with a negative predictive value of 80%. In summary, the available evidence is currently insufficient to determine the role of this variant in disease. Therefore, it has been classified as a Variant of Uncertain Significance.

NM_001378964.1(CDON):c.3515C>A (p.Pro1172Gln)

Gene: CDON (cell adhesion associated, oncogene regulated; minus strand). Cytogenetic location: 11q24.2.
Variant type: single nucleotide variant.
Coding change: c.3515C>A on transcript NM_001378964.1 (MANE Select); coding-DNA position 3515, C replaced by A.
Protein change: p.Pro1172Gln; replaces proline 1172 with glutamine.
Molecular consequence: missense variant.
Genome position (GRCh38, 1-based): chr11:125,961,840, G>T on the plus strand (C>A on the coding strand, the complement: CDON is on the minus strand). VCF-style: chr11-125961840-G-T. GRCh37 (hg19) VCF-style: chr11-125831735-G-T.
Other names: c.3515C>A, p.Pro1172Gln (NM_001243597.3, NM_016952.6); short protein forms P1172Q.
Identifiers: ClinVar variation 1387911 (VCV001387911.6), dbSNP rs370469702, ClinGen allele CA6351390.